The following is an entry in ClinVar:

ClinVar aggregate classification (germline): Uncertain significance (1 of 4 stars; one submission).

Conditions:
Developmental and epileptic encephalopathy, 34 (DEE34). Also called: Early infantile epileptic encephalopathy 34; SLC12A5-Related Epilepsy of Infancy with Migrating Focal Seizures. Identifiers: Orphanet 293181, MedGen C4225257, MONDO:0014718, OMIM 616645.

Allele frequency attached by ClinVar (database versions not stated): gnomAD exomes below 0.00001; TOPMed 0.00001.
gnomAD v4.1: 1 of 1,606,530 alleles (0.000062%); highest among the groups gnomAD compares: Admixed American, 0.0017%; no homozygotes.

Submission:

Labcorp Genetics (formerly Invitae), Labcorp
Classification: Uncertain significance for Developmental and epileptic encephalopathy, 34. Last evaluated: 2017-03-04. Review status: criteria provided, single submitter. Criteria: Invitae Variant Classification Sherloc (09022015). Collection method: clinical testing. Allele origin: germline.
Comment: This sequence change replaces valine with leucine at codon 687 of the SLC12A5 protein (p.Val687Leu). The valine residue is moderately conserved and there is a small physicochemical difference between valine and leucine. This variant is not present in population databases (ExAC no frequency) and has not been reported in the literature in individuals with a SLC12A5-related disease. Algorithms developed to predict the effect of missense changes on protein structure and function (SIFT, PolyPhen-2, Align-GVGD) all suggest that this variant is likely to be tolerated, but these predictions have not been confirmed by published functional studies. In summary, this variant is a novel missense change that is not predicted to affect protein function. There is no indication that it causes disease, but the available evidence is currently insufficient to prove that conclusively. Therefore, it has been classified as a Variant of Uncertain Significance.

NM_020708.5(SLC12A5):c.2059G>T (p.Val687Leu)

Gene: SLC12A5 (solute carrier family 12 member 5; plus strand). Cytogenetic location: 20q13.12.
Variant type: single nucleotide variant.
Coding change: c.2059G>T on transcript NM_020708.5 (MANE Select); coding-DNA position 2059, G replaced by T.
Protein change: p.Val687Leu; replaces valine 687 with leucine.
Molecular consequence: missense variant.
Genome position (GRCh38, 1-based): chr20:46,049,668, G>T. VCF-style: chr20-46049668-G-T. GRCh37 (hg19) VCF-style: chr20-44678307-G-T.
Other names: c.2128G>T, p.Val710Leu (NM_001134771.2); short protein forms V710L, V687L.
Identifiers: ClinVar variation 475645 (VCV000475645.7), dbSNP rs1175869873, ClinGen allele CA409202069.
Genomic context (GRCh38, chr20:46,049,668, plus strand): 5'-TGCACACTCTTCAGGCCACAGCTGCTGGTGCTGGTGCGTGTGGACCAAGACCAGAATGTG[G>T]TGCACCCCCAGCTGCTCTCACTGACCTCCCAGCTGAAGGCGGGGAAGGGCCTGACCATCG-3'
Protein context (NP_065759.1, residues 677-697): LVRVDQDQNV[Val687Leu]HPQLLSLTSQ